The following is an entry in ClinVar:

NM_001353921.2(ARHGEF9):c.1403C>A (p.Ala468Asp)

Gene: ARHGEF9 (Cdc42 guanine nucleotide exchange factor 9; minus strand). Cytogenetic location: Xq11.1.
Variant type: single nucleotide variant.
Coding change: c.1403C>A on transcript NM_001353921.2 (MANE Select); coding-DNA position 1403, C replaced by A.
Protein change: p.Ala468Asp; replaces alanine 468 with aspartic acid.
Molecular consequence: missense variant. On other transcripts: 3 prime UTR variant (2).
Genome position (GRCh38, 1-based): chrX:63,638,197, G>T on the plus strand (C>A on the coding strand, the complement: ARHGEF9 is on the minus strand). VCF-style: chrX-63638197-G-T. GRCh37 (hg19) VCF-style: chrX-62858077-G-T.
Other names: c.1223C>A, p.Ala408Asp (NM_001173479.2); c.1076C>A, p.Ala359Asp (NM_001173480.2, NM_001369042.1); c.1319C>A, p.Ala440Asp (NM_001330495.2, NM_001369033.1, NM_001369034.1 and 4 more transcripts); c.1271C>A, p.Ala424Asp (NM_001353922.2); c.1421C>A, p.Ala474Asp (NM_001353923.1); c.1202C>A, p.Ala401Asp (NM_001353924.2, NM_001353926.2, NM_001369039.1 and 1 more transcripts); c.1187C>A, p.Ala396Asp (NM_001353927.2, NM_001369041.1); c.1250C>A, p.Ala417Asp (NM_001353928.2); and 3 more; short protein forms A401D, A408D, A417D, A461D, A279D, A359D, A424D, A440D.
Identifiers: ClinVar variation 3656942 (VCV003656942.2).

ClinVar aggregate classification (germline): Uncertain significance (1 of 4 stars; one submission).

Conditions:
Developmental and epileptic encephalopathy, 8 (DEE8). Also called: HYPEREKPLEXIA AND EPILEPSY. Identifiers: Orphanet 163985, Orphanet 2076, MedGen C1845102, MONDO:0010375, OMIM 300607.

Submission:

Labcorp Genetics (formerly Invitae), Labcorp
Classification: Uncertain significance for Developmental and epileptic encephalopathy, 8. Last evaluated: 2024-06-18. Review status: criteria provided, single submitter. Criteria: Invitae Variant Classification Sherloc (09022015). Collection method: clinical testing. Allele origin: germline.
Comment: This sequence change replaces alanine, which is neutral and non-polar, with aspartic acid, which is acidic and polar, at codon 461 of the ARHGEF9 protein (p.Ala461Asp). This variant is not present in population databases (gnomAD no frequency). This variant has not been reported in the literature in individuals affected with ARHGEF9-related conditions. Advanced modeling of protein sequence and biophysical properties (such as structural, functional, and spatial information, amino acid conservation, physicochemical variation, residue mobility, and thermodynamic stability) performed at Invitae indicates that this missense variant is not expected to disrupt ARHGEF9 protein function with a negative predictive value of 80%. In summary, the available evidence is currently insufficient to determine the role of this variant in disease. Therefore, it has been classified as a Variant of Uncertain Significance.